The following is an entry in ClinVar:

NC_012920.1(MT-TW):m.5558A>G

Gene: MT-TW (mitochondrially encoded tRNA tryptophan; plus strand).
Variant type: single nucleotide variant.
Genome position: chrM-5558-A-G.
Identifiers: ClinVar variation 689941 (VCV000689941.2), dbSNP rs370471013, ClinGen allele CA414780655.

ClinVar aggregate classification (germline): Uncertain significance. Review status: reviewed by expert panel (3 of 4 stars). 2 submissions from 2 submitters: Uncertain significance (1). 1 of the submissions does not count toward it. Last evaluated 2021-12-10.

Conditions:
Mitochondrial disease. Also called: Mitochondrial disorder; Mitochondrial disorders. Identifiers: Orphanet 68380, MedGen C0751651, MeSH D028361, MONDO:0044970.
MELAS syndrome (MELAS). Also called: Juvenile myopathy, encephalopathy, lactic acidosis, stroke. Identifiers: Orphanet 550, MedGen C0162671, MONDO:0010789, OMIM 540000.

Submissions (2):

ClinGen Mitochondrial Disease Nuclear and Mitochondrial  Variant Curation Expert Panel, ClinGen
Classification: Uncertain significance for Mitochondrial disease. Last evaluated: 2021-12-10. Review status: reviewed by expert panel. Criteria: clingen mito disease acmg specifications v1-1. Collection method: curation. Allele origin: germline. Inheritance: Mitochondrial inheritance.
Comment: The m.5558A>G variant in MT-TW was reviewed by the Mitochondrial Disease Nuclear and Mitochondrial Variant Curation Expert Panel as part of the variant pilot for mitochondrial DNA variant specifications (McCormick et al., 2020; PMID: 32906214). There have been no affected individuals reported in the medical literature to our knowledge. There are no large families reported in the medical literature to consider for evidence of segregation. There are over 100 occurrences in MITOMAP for an overall allele frequency of 0.2%. This does not meet criteria for BA1 or BS1. The computational predictor MitoTIP suggests this variant is possibly benign (31st percentile) and HmtVAR predicts it to be likely polymorphic (0.5, BP4). There are no cybrid or single fiber studies reported on this variant. In summary, this variant meets criteria to be classified as uncertain significance for primary mitochondrial disease inherited in a mitochondrial manner. This classification was approved by the NICHD U24 Mitochondrial Disease Variant Curation Expert Panel as of August 20, 2020. Mitochondrial DNA-specific ACMG/AMP criteria applied: BP4.

Wong Mito Lab, Molecular and Human Genetics, Baylor College of Medicine
Classification: Benign for MELAS syndrome. Last evaluated: 2019-07-12. Review status: criteria provided, single submitter. Criteria: Modified ACMG Guidelines (Unpublished). Collection method: clinical testing. Allele origin: germline. Not counted in ClinVar's aggregate classification.
Comment: The NC_012920.1:m.5558A>G variant in MT-TW gene is interpreted to be a Benign variant based on the modified ACMG guidelines (unpublished). This variant meets the following evidence codes reported in the guidelines: BS1, BS2, BP4, BP5

Literature cited by the submitters: PubMed 31965079 (cited by Wong Mito Lab, Molecular and Human Genetics, Baylor College of Medicine).